The following is an entry in ClinVar:

NM_000321.3(RB1):c.940-2A>C

Gene: RB1 (RB transcriptional corepressor 1; plus strand). Cytogenetic location: 13q14.2.
Variant type: single nucleotide variant.
Coding change: c.940-2A>C on transcript NM_000321.3 (MANE Select); the canonical splice acceptor site of the intron before coding-DNA position 940, A replaced by C.
Molecular consequence: splice acceptor variant.
Genome position (GRCh38, 1-based): chr13:48,367,492, A>C. VCF-style: chr13-48367492-A-C. GRCh37 (hg19) VCF-style: chr13-48941628-A-C.
Other names: c.940-2A>C (NM_001407165.1, NM_001407166.1).
Identifiers: ClinVar variation 3236940 (VCV003236940.1), dbSNP rs2138120917.

ClinVar aggregate classification (germline): Pathogenic (1 of 4 stars; one submission).

Conditions:
Retinoblastoma (RB1). Also called: RETINOBLASTOMA, SOMATIC. Identifiers: Orphanet 790, MedGen C0035335, MeSH D012175, MONDO:0008380, OMIM 180200, HP:0009919. Disease mechanism: loss of function. Inheritance: Both sporadic and heritable forms are tested..

Submission:

Genetic Diagnostic Laboratory, University of Pennsylvania School of Medicine
Classification: Pathogenic for Retinoblastoma. Last evaluated: 2024-05-20. Review status: criteria provided, single submitter. Criteria: ACMG Guidelines, 2015. Collection method: clinical testing. Allele origin: germline. Affected: yes. Observed: 2 variant alleles.
Comment: Case and Pedigree Information: BILATERAL CASES:2, UNILATERAL CASES:0, TOTAL CASES:2, PEDIGREES:1. ACMG Codes Applied:PVS1, PM2